The following is an entry in ClinVar:

NM_024312.5(GNPTAB):c.1949A>G (p.Glu650Gly)

Gene: GNPTAB (N-acetylglucosamine-1-phosphate transferase subunits alpha and beta; minus strand). Cytogenetic location: 12q23.2.
Variant type: single nucleotide variant.
Coding change: c.1949A>G on transcript NM_024312.5 (MANE Select); coding-DNA position 1949, A replaced by G.
Protein change: p.Glu650Gly; replaces glutamic acid 650 with glycine.
Molecular consequence: missense variant.
Genome position (GRCh38, 1-based): chr12:101,764,968, T>C on the plus strand (A>G on the coding strand, the complement: GNPTAB is on the minus strand). VCF-style: chr12-101764968-T-C. GRCh37 (hg19) VCF-style: chr12-102158746-T-C.
Other names: short protein forms E650G.
Identifiers: ClinVar variation 2144688 (VCV002144688.1), dbSNP rs140418625, ClinGen allele CA6746500.

ClinVar aggregate classification (germline): Uncertain significance (1 of 4 stars; one submission).

Conditions:
Mucolipidosis type II. Also called: Mucolipidosis 2; ML 2; Inclusion cell disease; Leroy Disease; N-acetylglucosamine 1phosphotransferase deficiency; ML disorder type 2. Identifiers: Orphanet 576, MedGen C2673377, MONDO:0009650, OMIM 252500.
Pseudo-Hurler polydystrophy. Also called: ML IIIA; Mucolipidosis III Alpha/Beta; MUCOLIPIDOSIS IIIA; ML III; ML III ALPHA/BETA; Type III Mucolipidosis. Identifiers: Orphanet 423461, Orphanet 577, MedGen C0033788, MONDO:0018931, OMIM 252600.

Allele frequency attached by ClinVar (database versions not stated): gnomAD exomes below 0.00001; TOPMed 0.00002; ESP Exome Variant Server 0.00008; ExAC 0.00001.
gnomAD v4.1: 3 of 1,614,194 alleles (0.00019%); highest among the groups gnomAD compares: Non-Finnish European, 0.00025%; no homozygotes.

Submission:

Labcorp Genetics (formerly Invitae), Labcorp
Classification: Uncertain significance for Pseudo-Hurler polydystrophy; Mucolipidosis type II. Last evaluated: 2022-05-28. Review status: criteria provided, single submitter. Criteria: Invitae Variant Classification Sherloc (09022015). Collection method: clinical testing. Allele origin: germline.
Comment: This sequence change replaces glutamic acid, which is acidic and polar, with glycine, which is neutral and non-polar, at codon 650 of the GNPTAB protein (p.Glu650Gly). This variant is present in population databases (rs140418625, gnomAD 0.0009%). This variant has not been reported in the literature in individuals affected with GNPTAB-related conditions. Advanced modeling of protein sequence and biophysical properties (such as structural, functional, and spatial information, amino acid conservation, physicochemical variation, residue mobility, and thermodynamic stability) performed at Invitae indicates that this missense variant is not expected to disrupt GNPTAB protein function. In summary, the available evidence is currently insufficient to determine the role of this variant in disease. Therefore, it has been classified as a Variant of Uncertain Significance.